The following is an entry in ClinVar:

ClinVar aggregate classification (germline): Likely benign (0 of 4 stars; one submission).

Conditions:
NRP1-related disorder. Also called: NRP1-related condition.

Submission:

PreventionGenetics, part of Exact Sciences
Classification: Likely benign for NRP1-related condition. Last evaluated: 2024-09-04. Review status: no assertion criteria provided. Collection method: clinical testing. Allele origin: germline.
Comment: This variant is classified as likely benign based on ACMG/AMP sequence variant interpretation guidelines (Richards et al. 2015 PMID: 25741868, with internal and published modifications).

NM_003873.7(NRP1):c.814+8T>C

Gene: NRP1 (neuropilin 1; minus strand). Cytogenetic location: 10p11.22.
Variant type: single nucleotide variant.
Coding change: c.814+8T>C on transcript NM_003873.7 (MANE Select); 8 bases into the intron after coding-DNA position 814, T replaced by C.
Molecular consequence: intron variant.
Genome position (GRCh38, 1-based): chr10:33,256,308, A>G on the plus strand (T>C on the coding strand, the complement: NRP1 is on the minus strand). VCF-style: chr10-33256308-A-G. GRCh37 (hg19) VCF-style: chr10-33545236-A-G.
Other names: c.814+8T>C (NM_001244973.2, NM_001244972.2, NM_001330068.2 and 2 more transcripts).
Identifiers: ClinVar variation 3347171 (VCV003347171.1).